The following is an entry in ClinVar:

ClinVar aggregate classification (germline): Benign/Likely benign. Review status: criteria provided, multiple submitters, no conflicts (2 of 4 stars). 4 submissions from 4 submitters: Benign (1); Likely benign (2). 1 of the submissions does not count toward it. Last evaluated 2025-12-21.

Conditions:
ATRIP-related disorder. Also called: ATRIP-related condition.

Allele frequency attached by ClinVar (database versions not stated): gnomAD 0.00029 and 0.00042; TOPMed 0.00029; ESP Exome Variant Server 0.00046; 1000 Genomes Project 30x 0.00047; 1000 Genomes Project 0.00060; ExAC 0.00077.
gnomAD v4.1: 866 of 1,614,152 alleles (0.054%); highest among the groups gnomAD compares: South Asian, 0.43%; 5 homozygotes.

Submissions (4):

Labcorp Genetics (formerly Invitae), Labcorp
Classification: Likely benign. Last evaluated: 2025-12-21. Review status: criteria provided, single submitter. Criteria: Invitae Variant Classification Sherloc (09022015). Collection method: clinical testing. Allele origin: germline.

Laboratory of Genetics, Children's Clinical University Hospital Latvia
Classification: Likely benign. Last evaluated: 2025-02-16. Review status: criteria provided, single submitter. Criteria: ACMG Guidelines, 2015. Collection method: clinical testing. Allele origin: germline. Affected: yes.

Ambry Genetics
Classification: Benign. Last evaluated: 2024-10-28. Review status: criteria provided, single submitter. Criteria: Ambry Variant Classification Scheme 2023. Collection method: clinical testing. Allele origin: germline.

PreventionGenetics, part of Exact Sciences
Classification: Likely benign for ATRIP-related condition. Last evaluated: 2022-03-21. Review status: no assertion criteria provided. Collection method: clinical testing. Allele origin: germline. Not counted in ClinVar's aggregate classification.
Comment: This variant is classified as likely benign based on ACMG/AMP sequence variant interpretation guidelines (Richards et al. 2015 PMID: 25741868, with internal and published modifications).

NM_130384.3(ATRIP):c.1172G>A (p.Arg391Gln)

Genes: ATRIP (ATR interacting protein; plus strand), ATRIP-TREX1 (ATRIP-TREX1 readthrough; plus strand). Cytogenetic location: 3p21.31.
Variant type: single nucleotide variant.
Coding change: c.1172G>A on transcript NM_130384.3 (MANE Select); coding-DNA position 1172, G replaced by A.
Protein change: p.Arg391Gln; replaces arginine 391 with glutamine.
Molecular consequence: missense variant. On other transcripts: non-coding transcript variant (1).
Genome position (GRCh38, 1-based): chr3:48,460,226, G>A. VCF-style: chr3-48460226-G-A. GRCh37 (hg19) VCF-style: chr3-48501625-G-A.
Other names: c.791G>A, p.Arg264Gln (NM_001271022.2); c.893G>A, p.Arg298Gln (NM_001271023.2); c.1172G>A, p.Arg391Gln (NM_032166.4); c.1172G>A (NM_130384.1); short protein forms R298Q, R391Q, R264Q.
Identifiers: ClinVar variation 728188 (VCV000728188.13), dbSNP rs142899473, ClinGen allele CA2376159.
Genomic context (GRCh38, chr3:48,460,226, plus strand): 5'-CCCTCTCAGCCCTGAGAGAAGCACAGAACCTGGCATTCACTGGACTGAATCTGGTTGCCC[G>A]GAATGAGTGCTCACGTGATGGAGACCCAGCAGAGGGAGGCAGAAGGGCCTTCCCACTCTG-3'
Protein context (NP_569055.1, residues 381-401): LAFTGLNLVA[Arg391Gln]NECSRDGDPA